The following is an entry in ClinVar:

ClinVar aggregate classification (germline): Conflicting classifications of pathogenicity. Review status: criteria provided, conflicting classifications (1 of 4 stars). 3 submissions from 3 submitters: Uncertain significance (1); Likely benign (1). 1 of the submissions does not count toward it. Last evaluated 2025-01-14.

Conditions:
Cardiovascular phenotype. Identifiers: MedGen CN230736.
Alstrom syndrome (ALMS). Identifiers: Orphanet 64, MedGen C0268425, MONDO:0008763, OMIM 203800.

Submissions (3):

Ambry Genetics
Classification: Likely benign for Cardiovascular phenotype. Last evaluated: 2025-01-14. Review status: criteria provided, single submitter. Criteria: Ambry Variant Classification Scheme 2023. Collection method: clinical testing. Allele origin: germline.

Labcorp Genetics (formerly Invitae), Labcorp
Classification: Uncertain significance for Alstrom syndrome. Last evaluated: 2023-12-23. Review status: criteria provided, single submitter. Criteria: Invitae Variant Classification Sherloc (09022015). Collection method: clinical testing. Allele origin: germline.
Comment: This variant, c.93_95del, results in the deletion of 1 amino acid(s) of the ALMS1 protein (p.Ala36del), but otherwise preserves the integrity of the reading frame. This variant is not present in population databases (gnomAD no frequency). This variant has not been reported in the literature in individuals affected with ALMS1-related conditions. ClinVar contains an entry for this variant (Variation ID: 550960). Experimental studies and prediction algorithms are not available or were not evaluated, and the functional significance of this variant is currently unknown. In summary, the available evidence is currently insufficient to determine the role of this variant in disease. Therefore, it has been classified as a Variant of Uncertain Significance.

Counsyl
Classification: Uncertain significance for Alstrom syndrome. Last evaluated: 2017-03-02. Review status: no assertion criteria provided. Collection method: clinical testing. Allele origin: unknown. Not counted in ClinVar's aggregate classification.

NM_001378454.1(ALMS1):c.90_92del (p.Ala35del)

Gene: ALMS1 (ALMS1 centrosome and basal body associated protein; plus strand). Cytogenetic location: 2p13.1.
Variant type: Deletion.
Coding change: c.90_92del on transcript NM_001378454.1 (MANE Select); coding-DNA positions 90 to 92, 3 bases deleted (AGC; older notation c.90_92delAGC).
Protein change: p.Ala35del; deletes alanine 35.
Molecular consequence: inframe deletion.
Genome position (GRCh38, 1-based): chr2:73,385,958-73,385,960, AGC deleted; deleting any 3 consecutive bases within chr2:73,385,956-73,385,960 gives the same sequence; the c. name uses the placement nearest the transcript's 3' end. VCF-style (leftmost placement, unchanged base first): chr2-73385955-TGCA-T. GRCh37 (hg19) VCF-style: chr2-73613083-TGCA-T.
Other names: c.93_95delAGC (NM_015120.4); c.93_95del, p.Ala36del (NM_015120.4); short protein forms A36del, A35del.
Identifiers: ClinVar variation 550960 (VCV000550960.11), dbSNP rs973057702, ClinGen allele CA50368827.